The following is an entry in ClinVar:

ClinVar aggregate classification (germline): Conflicting classifications of pathogenicity. Review status: criteria provided, conflicting classifications (1 of 4 stars). 2 submissions from 2 submitters: Uncertain significance (1); Likely benign (1). Last evaluated 2021-12-16.

Conditions:
Restrictive cardiomyopathy. Identifiers: Orphanet 217632, MedGen C0007196, MeSH D002313, MONDO:0005201, HP:0001723.

Allele frequency attached by ClinVar (database versions not stated): gnomAD 0.00001; gnomAD exomes 0.00001 and below 0.00001; ExAC 0.00001.
gnomAD v4.1: 11 of 1,613,994 alleles (0.00068%); highest among the groups gnomAD compares: African/African-American, 0.004%; no homozygotes.

Submissions (2):

Ambry Genetics
Classification: Uncertain significance. Last evaluated: 2021-12-16. Review status: criteria provided, single submitter. Criteria: Ambry Variant Classification Scheme 2023. Collection method: clinical testing. Allele origin: germline.
Comment: The p.R122Q variant (also known as c.365G>A), located in coding exon 4 of the PDLIM3 gene, results from a G to A substitution at nucleotide position 365. The arginine at codon 122 is replaced by glutamine, an amino acid with highly similar properties. This amino acid position is conserved. In addition, the in silico prediction for this alteration is inconclusive. Since supporting evidence is limited at this time, the clinical significance of this alteration remains unclear.

Center for Advanced Laboratory Medicine, UC San Diego Health, University of California San Diego
Classification: Likely benign for Restrictive cardiomyopathy. Last evaluated: 2018-01-03. Review status: criteria provided, single submitter. Criteria: ACMG Guidelines, 2015. Collection method: clinical testing. Allele origin: germline. Affected: yes. Observed: 1 variant allele.

NM_014476.6(PDLIM3):c.365G>A (p.Arg122Gln)

Genes: PDLIM3 (PDZ and LIM domain 3; minus strand), LOC126807246 (BRD4-independent group 4 enhancer GRCh37_chr4:186434842-186436041; plus strand). Cytogenetic location: 4q35.1.
Variant type: single nucleotide variant.
Coding change: c.365G>A on transcript NM_014476.6 (MANE Select); coding-DNA position 365, G replaced by A.
Protein change: p.Arg122Gln; replaces arginine 122 with glutamine.
Molecular consequence: missense variant. On other transcripts: intron variant (1).
Genome position (GRCh38, 1-based): chr4:185,514,303, C>T on the plus strand (G>A on the coding strand, the complement: PDLIM3 is on the minus strand). VCF-style: chr4-185514303-C-T. GRCh37 (hg19) VCF-style: chr4-186435457-C-T.
Other names: c.365G>A, p.Arg122Gln (NM_001257962.2); c.128G>A, p.Arg43Gln (NM_001257963.2); c.518+400G>A (NM_001114107.5); short protein forms R122Q, R43Q.
Identifiers: ClinVar variation 691765 (VCV000691765.3), dbSNP rs751951109, ClinGen allele CA3159805.
Genomic context (GRCh38, chr4:185,514,303, plus strand): 5'-AAACTCCACAGTCTCAGCGCTTATGACCTGCTTCGGCCCGGGATCACGAAAGGTTTGGGC[C>T]GAATATTATGCTTGTGTTCAAAGTAGTTCCCGTCCTGTGAAAACAAAGCGTTAAAAAGGC-3'
Protein context (NP_055291.2, residues 112-132): GNYFEHKHNI[Arg122Gln]PKPFVIPGRS